The following is an entry in ClinVar:

ClinVar aggregate classification (germline): Uncertain significance. Review status: criteria provided, multiple submitters, no conflicts (2 of 4 stars). 3 submissions from 3 submitters: Uncertain significance (3). Last evaluated 2024-10-23.

Conditions:
Agammaglobulinemia 8, autosomal dominant (AGM8A). Also called: AGAMMAGLOBULINEMIA, AUTOSOMAL DOMINANT, DUE TO TCF3 DEFECT; AGAMMAGLOBULINEMIA 8A, AUTOSOMAL DOMINANT. Identifiers: MedGen C4310786, MONDO:0014840, OMIM 616941.

Allele frequency attached by ClinVar (database versions not stated): gnomAD 0.00001; gnomAD exomes 0.00001; TOPMed 0.00002.
gnomAD v4.1: 13 of 1,550,030 alleles (0.00084%); highest among the groups gnomAD compares: Middle Eastern, 0.033%; no homozygotes.

Submissions (3):

Blueprint Genetics
Classification: Uncertain significance. Last evaluated: 2024-10-23. Review status: criteria provided, single submitter. Criteria: ACMG Guidelines, 2015. Collection method: clinical testing. Allele origin: germline.

Labcorp Genetics (formerly Invitae), Labcorp
Classification: Uncertain significance. Last evaluated: 2024-02-03. Review status: criteria provided, single submitter. Criteria: Invitae Variant Classification Sherloc (09022015). Collection method: clinical testing. Allele origin: germline.
Comment: This sequence change replaces arginine, which is basic and polar, with glutamine, which is neutral and polar, at codon 36 of the TCF3 protein (p.Arg36Gln). This variant is present in population databases (no rsID available, gnomAD 0.004%). This variant has not been reported in the literature in individuals affected with TCF3-related conditions. ClinVar contains an entry for this variant (Variation ID: 1342488). Advanced modeling of protein sequence and biophysical properties (such as structural, functional, and spatial information, amino acid conservation, physicochemical variation, residue mobility, and thermodynamic stability) has been performed at Invitae for this missense variant, however the output from this modeling did not meet the statistical confidence thresholds required to predict the impact of this variant on TCF3 protein function. In summary, the available evidence is currently insufficient to determine the role of this variant in disease. Therefore, it has been classified as a Variant of Uncertain Significance.

New York Genome Center
Classification: Uncertain significance for Agammaglobulinemia 8, autosomal dominant. Last evaluated: 2021-03-26. Review status: criteria provided, single submitter. Criteria: NYGC Assertion Criteria 2020. Collection method: clinical testing. Allele origin: inherited. Observed: 1 heterozygote. Study: CSER-NYCKidSeq.
Comment: The inherited c.107G>A (p.Arg36Gln) variant identified in the TCF3 gene substitutes a well conserved Arginine for Glutamine at amino acid 36/655 (exon 3/19). This variant is found with low frequency in gnomAD(v3.1) (1 heterozygote, 0 homozygotes; allele frequency: 6.58e-6), suggesting it is not a common benign variant in the populations represented in that database. In silico algorithms predict this variant to be Damaging (SIFT; score: 0.023) and Benign (REVEL; score: 0.112) to the function of the canonical transcript. This variant is absent from ClinVar and to our current knowledge has not been reported in affected individuals in the literature. The p.Arg36 residue is not within a mapped domain of TCF3 (UniProtKB:P15923). Given the lack of compelling evidence for its pathogenicity, the inherited c.107G>A (p.Arg36Gln) variant identified in the TCF3 gene is reported as a Variant of Uncertain Significance.

NM_003200.5(TCF3):c.107G>A (p.Arg36Gln)

Gene: TCF3 (transcription factor 3; minus strand). Cytogenetic location: 19p13.3.
Variant type: single nucleotide variant.
Coding change: c.107G>A on transcript NM_003200.5 (MANE Select); coding-DNA position 107, G replaced by A.
Protein change: p.Arg36Gln; replaces arginine 36 with glutamine.
Molecular consequence: missense variant.
Genome position (GRCh38, 1-based): chr19:1,646,393, C>T on the plus strand (G>A on the coding strand, the complement: TCF3 is on the minus strand). VCF-style: chr19-1646393-C-T. GRCh37 (hg19) VCF-style: chr19-1646392-C-T.
Other names: c.107G>A, p.Arg36Gln (NM_001136139.4, NM_001351778.2, NM_001351779.2); short protein forms R36Q.
Identifiers: ClinVar variation 1342488 (VCV001342488.8), dbSNP rs1011180356, ClinGen allele CA304106978.